The following is an entry in ClinVar:

ClinVar aggregate classification (germline): Benign/Likely benign. Review status: criteria provided, multiple submitters, no conflicts (2 of 4 stars). 7 submissions from 6 submitters: Benign (3); Likely benign (3). 1 of the submissions does not count toward it. Last evaluated 2026-06-18.

Conditions:
PDGFRA-related disorder. Also called: PDGFRA-related condition.
Polyps, multiple and recurrent inflammatory fibroid, gastrointestinal. Identifiers: MedGen C5193005, MONDO:0008285, OMIM 175510.
Hereditary cancer-predisposing syndrome. Also called: Tumor predisposition; Hereditary Cancer Syndrome; Neoplastic Syndromes, Hereditary; Hereditary neoplastic syndrome. Identifiers: Orphanet 140162, MedGen C0027672, MeSH D009386, MONDO:0015356.
Idiopathic hypereosinophilic syndrome (HES). Identifiers: Orphanet 3260, MedGen C0206141, MONDO:0011895, OMIM 607685. Disease mechanism: gain of function.
Gastrointestinal stromal tumor. Also called: Gastrointestinal stromal tumor, somatic; Gastrointestinal stroma tumor. Identifiers: Orphanet 44890, MedGen C0238198, MeSH D046152, MONDO:0011719, OMIM 606764, HP:0100723.

Allele frequency attached by ClinVar (database versions not stated): gnomAD 0.00004 and 0.00011; TOPMed 0.00004; gnomAD exomes 0.00009 and 0.00021; ExAC 0.00011; 1000 Genomes Project 30x 0.00094; 1000 Genomes Project 0.00120.
gnomAD v4.1: 324 of 1,613,452 alleles (0.02%); highest among the groups gnomAD compares: East Asian, 0.64%; 2 homozygotes.

Submissions (7):

Myriad Genetics, Inc.
Classification: Benign for Polyps, multiple and recurrent inflammatory fibroid, gastrointestinal. Last evaluated: 2026-06-18. Review status: criteria provided, single submitter. Criteria: Myriad Autosomal Dominant, Autosomal Recessive and X-Linked Classification Criteria (2023). Collection method: clinical testing. Allele origin: unknown.
Comment: This variant is considered benign. This variant is a silent/synonymous amino acid change and it is not expected to impact splicing.

Labcorp Genetics (formerly Invitae), Labcorp
Classification: Benign for Gastrointestinal stromal tumor. Last evaluated: 2026-01-27. Review status: criteria provided, single submitter. Criteria: Invitae Variant Classification Sherloc (09022015). Collection method: clinical testing. Allele origin: germline.

CeGaT Center for Human Genetics Tuebingen
Classification: Likely benign. Last evaluated: 2025-06-01. Review status: criteria provided, single submitter. Criteria: CeGaT Center For Human Genetics Tuebingen Variant Classification Criteria Version 2. Collection method: clinical testing. Allele origin: germline. Affected: yes. Observed: 1 variant allele.
Comment: PDGFRA: BP4, BP7

Ambry Genetics
Classification: Likely benign for Hereditary cancer-predisposing syndrome. Last evaluated: 2019-06-25. Review status: criteria provided, single submitter. Criteria: Ambry Variant Classification Scheme 2023. Collection method: clinical testing. Allele origin: germline.

Illumina Laboratory Services, Illumina
Classification: Benign for Idiopathic hypereosinophilic syndrome. Last evaluated: 2018-01-13. Review status: criteria provided, single submitter. Criteria: ICSL Variant Classification Criteria 13 December 2019. Collection method: clinical testing. Allele origin: germline.
Comment: This variant was observed in the ICSL laboratory as part of a predisposition screen in an ostensibly healthy population. It had not been previously curated by ICSL or reported in the Human Gene Mutation Database (HGMD: prior to June 1st, 2018), and was therefore a candidate for classification through an automated scoring system. Utilizing variant allele frequency, disease prevalence and penetrance estimates, and inheritance mode, an automated score was calculated to assess if this variant is too frequent to cause the disease. Based on the score and internal cut-off values, a variant classified as benign is not then subjected to further curation. The score for this variant resulted in a classification of benign for this disease.

Illumina Laboratory Services, Illumina
Classification: Likely benign for Gastrointestinal stromal tumor. Last evaluated: 2018-01-13. Review status: criteria provided, single submitter. Criteria: ICSL Variant Classification Criteria 13 December 2019. Collection method: clinical testing. Allele origin: germline.
Comment: This variant was observed in the ICSL laboratory as part of a predisposition screen in an ostensibly healthy population. It had not been previously curated by ICSL or reported in the Human Gene Mutation Database (HGMD: prior to June 1st, 2018), and was therefore a candidate for classification through an automated scoring system. Utilizing variant allele frequency, disease prevalence and penetrance estimates, and inheritance mode, an automated score was calculated to assess if this variant is too frequent to cause the disease. Based on the score and internal cut-off values, a variant classified as likely benign is not then subjected to further curation. The score for this variant resulted in a classification of likely benign for this disease.

PreventionGenetics, part of Exact Sciences
Classification: Likely benign for PDGFRA-related condition. Last evaluated: 2019-09-04. Review status: no assertion criteria provided. Collection method: clinical testing. Allele origin: germline. Not counted in ClinVar's aggregate classification.
Comment: This variant is classified as likely benign based on ACMG/AMP sequence variant interpretation guidelines (Richards et al. 2015 PMID: 25741868, with internal and published modifications).

NM_006206.6(PDGFRA):c.3039C>T (p.Ser1013=)

Gene: PDGFRA (platelet derived growth factor receptor alpha; plus strand). Cytogenetic location: 4q12.
Variant type: single nucleotide variant.
Coding change: c.3039C>T on transcript NM_006206.6 (MANE Select); coding-DNA position 3039, C replaced by T.
Protein change: p.Ser1013=; no amino-acid change (serine 1013 retained).
Molecular consequence: synonymous variant.
Genome position (GRCh38, 1-based): chr4:54,290,471, C>T. VCF-style: chr4-54290471-C-T. GRCh37 (hg19) VCF-style: chr4-55156638-C-T.
Other names: c.3039C>T (NM_006206.5); c.3114C>T, p.Ser1038= (NM_001347828.2); c.3039C>T, p.Ser1013= (NM_001347829.2); c.3078C>T, p.Ser1026= (NM_001347830.2).
Identifiers: ClinVar variation 240341 (VCV000240341.30), dbSNP rs138150216, ClinGen allele CA2923014.